The following is an entry in ClinVar:

NM_002693.3(POLG):c.3643+5G>C

Gene: POLG (DNA polymerase gamma, catalytic subunit; minus strand). Cytogenetic location: 15q26.1.
Variant type: single nucleotide variant.
Coding change: c.3643+5G>C on transcript NM_002693.3 (MANE Select); 5 bases into the intron after coding-DNA position 3643, G replaced by C.
Molecular consequence: intron variant.
Genome position (GRCh38, 1-based): chr15:89,317,371, C>G on the plus strand (G>C on the coding strand, the complement: POLG is on the minus strand). VCF-style: chr15-89317371-C-G. GRCh37 (hg19) VCF-style: chr15-89860602-C-G.
Other names: c.3643+5G>C (NM_001126131.2, NM_002693.2).
Identifiers: ClinVar variation 2444844 (VCV002444844.2), dbSNP rs752712345, ClinGen allele CA7724073.

ClinVar aggregate classification (germline): Conflicting classifications of pathogenicity. Review status: criteria provided, conflicting classifications (1 of 4 stars). 2 submissions from 2 submitters: Likely pathogenic (1); Uncertain significance (1). Last evaluated 2024-04-11.

Allele frequency attached by ClinVar (database versions not stated): TOPMed below 0.00001; ExAC 0.00001; gnomAD 0.00001.
gnomAD v4.1: 1 of 1,613,594 alleles (0.000062%); highest among the groups gnomAD compares: Non-Finnish European, 0.000085%; no homozygotes.

Submissions (2):

Mayo Clinic Laboratories, Mayo Clinic
Classification: Uncertain significance. Last evaluated: 2024-04-11. Review status: criteria provided, single submitter. Criteria: ACMG Guidelines, 2015. Collection method: clinical testing. Allele origin: germline. Observed: 1 variant allele.
Comment: PP3, PM2_moderate

GeneDx
Classification: Likely pathogenic. Last evaluated: 2023-03-16. Review status: criteria provided, single submitter. Criteria: GeneDx Variant Classification Process June 2021. Collection method: clinical testing. Allele origin: germline. Affected: yes.
Comment: Intronic +5 splice site variant in a gene for which loss of function is a known mechanism of disease, and splice predictors support a deleterious effect; Not observed at significant frequency in large population cohorts (gnomAD); Has not been previously published as pathogenic or benign to our knowledge